The following is an entry in ClinVar:

NM_001376.5(DYNC1H1):c.6619-10G>A

Gene: DYNC1H1 (dynein cytoplasmic 1 heavy chain 1; plus strand). Cytogenetic location: 14q32.31.
Variant type: single nucleotide variant.
Coding change: c.6619-10G>A on transcript NM_001376.5 (MANE Select); 10 bases into the intron before coding-DNA position 6619, G replaced by A.
Molecular consequence: intron variant.
Genome position (GRCh38, 1-based): chr14:102,011,865, G>A. VCF-style: chr14-102011865-G-A. GRCh37 (hg19) VCF-style: chr14-102478202-G-A.
Identifiers: ClinVar variation 2730776 (VCV002730776.3), dbSNP rs2048262742, ClinGen allele CA2626603061.

ClinVar aggregate classification (germline): Uncertain significance (1 of 4 stars; one submission).

Conditions:
Charcot-Marie-Tooth disease axonal type 2O. Also called: Charcot-Marie-Tooth disease, axonal, type 20; CHARCOT-MARIE-TOOTH NEUROPATHY, AXONAL, TYPE 2O; CHARCOT-MARIE-TOOTH DISEASE, AXONAL, AUTOSOMAL DOMINANT, TYPE 2O; Charcot-Marie-Tooth Neuropathy Type 2O. Identifiers: Orphanet 284232, MedGen C3280220, MONDO:0013644, OMIM 614228.

Allele frequency attached by ClinVar (database versions not stated): gnomAD exomes below 0.00001.
gnomAD v4.1: 2 of 1,613,898 alleles (0.00012%); highest among the groups gnomAD compares: Non-Finnish European, 0.00017%; no homozygotes.

Submission:

Labcorp Genetics (formerly Invitae), Labcorp
Classification: Uncertain significance for Charcot-Marie-Tooth disease axonal type 2O. Last evaluated: 2023-07-08. Review status: criteria provided, single submitter. Criteria: Invitae Variant Classification Sherloc (09022015). Collection method: clinical testing. Allele origin: germline.
Comment: In summary, the available evidence is currently insufficient to determine the role of this variant in disease. Therefore, it has been classified as a Variant of Uncertain Significance. Algorithms developed to predict the effect of sequence changes on RNA splicing suggest that this variant may create or strengthen a splice site. This variant has not been reported in the literature in individuals affected with DYNC1H1-related conditions. This variant is not present in population databases (gnomAD no frequency). This sequence change falls in intron 32 of the DYNC1H1 gene. It does not directly change the encoded amino acid sequence of the DYNC1H1 protein.